The following is an entry in ClinVar:

NM_001008777.3(FBXO47):c.802G>T (p.Val268Phe)

Gene: FBXO47 (F-box protein 47; minus strand). Cytogenetic location: 17q12.
Variant type: single nucleotide variant.
Coding change: c.802G>T on transcript NM_001008777.3 (MANE Select); coding-DNA position 802, G replaced by T.
Protein change: p.Val268Phe; replaces valine 268 with phenylalanine.
Molecular consequence: missense variant.
Genome position (GRCh38, 1-based): chr17:38,943,728, C>A on the plus strand (G>T on the coding strand, the complement: FBXO47 is on the minus strand). VCF-style: chr17-38943728-C-A. GRCh37 (hg19) VCF-style: chr17-37099981-C-A.
Other names: short protein forms V268F.
Identifiers: ClinVar variation 3049241 (VCV003049241.2), dbSNP rs148926547, ClinGen allele CA8527185.

ClinVar aggregate classification (germline): Likely benign (0 of 4 stars; one submission).

Conditions:
FBXO47-related disorder. Also called: FBXO47-related condition.

Allele frequency attached by ClinVar (database versions not stated): gnomAD exomes 0.00020; ExAC 0.00066; 1000 Genomes Project 30x 0.00187; 1000 Genomes Project 0.00200; gnomAD 0.00230; ESP Exome Variant Server 0.00246; TOPMed 0.00261.

Submission:

PreventionGenetics, part of Exact Sciences
Classification: Likely benign for FBXO47-related condition. Last evaluated: 2019-04-10. Review status: no assertion criteria provided. Collection method: clinical testing. Allele origin: germline.
Comment: This variant is classified as likely benign based on ACMG/AMP sequence variant interpretation guidelines (Richards et al. 2015 PMID: 25741868, with internal and published modifications).